The following is an entry in ClinVar:

ClinVar aggregate classification (germline): Uncertain significance (1 of 4 stars; one submission).

gnomAD v4.1: 1 of 1,582,292 alleles (0.000063%); highest among the groups gnomAD compares: Non-Finnish European, 0.000087%; no homozygotes.

Submission:

Labcorp Genetics (formerly Invitae), Labcorp
Classification: Uncertain significance. Last evaluated: 2022-03-10. Review status: criteria provided, single submitter. Criteria: Invitae Variant Classification Sherloc (09022015). Collection method: clinical testing. Allele origin: germline.
Comment: This sequence change affects codon 526 of the PROM1 mRNA. It is a 'silent' change, meaning that it does not change the encoded amino acid sequence of the PROM1 protein. This variant also falls at the last nucleotide of exon 13, which is part of the consensus splice site for this exon. This variant is not present in population databases (gnomAD no frequency). This variant has been observed in individual(s) with clinical features of retinitis pigmentosa (Invitae). In at least one individual the data is consistent with being in trans (on the opposite chromosome) from a pathogenic variant. ClinVar contains an entry for this variant (Variation ID: 1041185). Variants that disrupt the consensus splice site are a relatively common cause of aberrant splicing (PMID: 17576681, 9536098). Algorithms developed to predict the effect of sequence changes on RNA splicing suggest that this variant may disrupt the consensus splice site. In summary, the available evidence is currently insufficient to determine the role of this variant in disease. Therefore, it has been classified as a Variant of Uncertain Significance.

Literature cited by the submitters: PubMed 17576681; PubMed 9536098.

NM_006017.3(PROM1):c.1578G>A (p.Arg526=)

Gene: PROM1 (prominin 1; minus strand). Cytogenetic location: 4p15.32.
Variant type: single nucleotide variant.
Coding change: c.1578G>A on transcript NM_006017.3 (MANE Select); coding-DNA position 1578, G replaced by A.
Protein change: p.Arg526=; no amino-acid change (arginine 526 retained).
Molecular consequence: synonymous variant.
Genome position (GRCh38, 1-based): chr4:16,000,496, C>T on the plus strand (G>A on the coding strand, the complement: PROM1 is on the minus strand). VCF-style: chr4-16000496-C-T. GRCh37 (hg19) VCF-style: chr4-16002119-C-T.
Other names: c.1551G>A, p.Arg517= (NM_001145848.2, NM_001145851.2, NM_001145852.2 and 4 more transcripts); c.1578G>A, p.Arg526= (NM_001145849.2, NM_001145850.2).
Identifiers: ClinVar variation 1041185 (VCV001041185.8), dbSNP rs1723490529, ClinGen allele CA438384365.